The following is an entry in ClinVar:

NM_006244.4(PPP2R5B):c.118C>T (p.Arg40Trp)

Gene: PPP2R5B (protein phosphatase 2 regulatory subunit B'beta; plus strand). Cytogenetic location: 11q13.1.
Variant type: single nucleotide variant.
Coding change: c.118C>T on transcript NM_006244.4 (MANE Select); coding-DNA position 118, C replaced by T.
Protein change: p.Arg40Trp; replaces arginine 40 with tryptophan.
Molecular consequence: missense variant.
Genome position (GRCh38, 1-based): chr11:64,925,852, C>T. VCF-style: chr11-64925852-C-T. GRCh37 (hg19) VCF-style: chr11-64693324-C-T.
Other names: c.118C>T (NM_006244.3); short protein forms R40W.
Identifiers: ClinVar variation 1506152 (VCV001506152.7), dbSNP rs778284880, ClinGen allele CA6086726.

ClinVar aggregate classification (germline): Uncertain significance. Review status: criteria provided, multiple submitters, no conflicts (2 of 4 stars). 2 submissions from 2 submitters: Uncertain significance (2). Last evaluated 2023-12-22.

Allele frequency attached by ClinVar (database versions not stated): gnomAD 0.00004; ExAC 0.00005.
gnomAD v4.1: 19 of 1,611,096 alleles (0.0012%); highest among the groups gnomAD compares: Admixed American, 0.02%; no homozygotes.

Submissions (2):

Ambry Genetics
Classification: Uncertain significance. Last evaluated: 2023-12-22. Review status: criteria provided, single submitter. Criteria: Ambry Variant Classification Scheme 2023. Collection method: clinical testing. Allele origin: germline.

Labcorp Genetics (formerly Invitae), Labcorp
Classification: Uncertain significance. Last evaluated: 2023-06-10. Review status: criteria provided, single submitter. Criteria: Invitae Variant Classification Sherloc (09022015). Collection method: clinical testing. Allele origin: germline.
Comment: This sequence change replaces arginine, which is basic and polar, with tryptophan, which is neutral and slightly polar, at codon 40 of the PPP2R5B protein (p.Arg40Trp). This variant is present in population databases (rs778284880, gnomAD 0.01%). This variant has not been reported in the literature in individuals affected with PPP2R5B-related conditions. ClinVar contains an entry for this variant (Variation ID: 1506152). An algorithm developed to predict the effect of missense changes on protein structure and function (PolyPhen-2) suggests that this variant is likely to be disruptive. In summary, the available evidence is currently insufficient to determine the role of this variant in disease. Therefore, it has been classified as a Variant of Uncertain Significance.